The following is an entry in ClinVar:

NM_000558.5(HBA1):c.43_45delinsCGA (p.Trp15Arg)

Genes: HBA1 (hemoglobin subunit alpha 1; plus strand), LOC106804613 (hemoglobin subunit alpha 1 recombination region; plus strand). Cytogenetic location: 16p13.3.
Variant type: Indel.
Coding change: c.43_45delinsCGA on transcript NM_000558.5 (MANE Select); coding-DNA positions 43 to 45, TGG replaced by CGA.
Protein change: p.Trp15Arg; replaces tryptophan 15 with arginine.
Molecular consequence: missense variant.
Genome position (GRCh38, 1-based): chr16:176,759-176,761, TGG replaced by CGA. VCF-style: chr16-176759-TGG-CGA. GRCh37 (hg19) VCF-style: chr16-226758-TGG-CGA.
Other names: short protein forms W15R.
Identifiers: ClinVar variation 4814412 (VCV004814412.1).
Genomic context (GRCh38, chr16:176,759, plus strand): 5'-ACTCAGAGAGAACCCACCATGGTGCTGTCTCCTGCCGACAAGACCAACGTCAAGGCCGCC[TGG>CGA]GGTAAGGTCGGCGCGCACGCTGGCGAGTATGGTGCGGAGGCCCTGGAGAGGTGAGGCTCC-3'
Protein context (NP_000549.1, residues 5-25): PADKTNVKAA[Trp15Arg]GKVGAHAGEY

ClinVar aggregate classification (germline): Likely pathogenic (1 of 4 stars; one submission).

Conditions:
alpha Thalassemia. Also called: Alpha thalassemia spectrum. Identifiers: Orphanet 846, MedGen C0002312, MONDO:0011399, OMIM 604131.

Submission:

Natera, Inc.
Classification: Likely pathogenic for Alpha thalassemia. Last evaluated: 2026-01-26. Review status: criteria provided, single submitter. Criteria: Natera Variant Classification Schema (03/2026). Collection method: clinical testing. Allele origin: germline.
Comment: The c.43_45delinsCGA variant in HBA1 is a deletion-insertion (delins) variant predicted to replace one or more nucleotides with a different sequence. This variant is rare in the general population with a frequency below the threshold expected for the associated phenotype(s). Another variant at this same site results in an alteration predicted to cause a similar molecular effect has been observed in individual(s) with the associated phenotype. Computational prediction algorithms indicate this variant is likely to affect gene or protein function. Given the available evidence, this variant is classified as Likely Pathogenic.